The following is an entry in ClinVar:

ClinVar aggregate classification (germline): Benign. Review status: criteria provided, multiple submitters, no conflicts (2 of 4 stars). 2 submissions from 2 submitters: Benign (2). Last evaluated 2018-06-14.

Allele frequency attached by ClinVar (database versions not stated): 1000 Genomes Project 0.80192; 1000 Genomes Project 30x 0.80528; gnomAD exomes 0.83405; gnomAD 0.83578 and 0.83915; TOPMed 0.84293.
gnomAD v4.1: 560,458 of 671,464 alleles (83%); highest among the groups gnomAD compares: Middle Eastern, 89%; 234,792 homozygotes.

Submissions (2):

GeneDx
Classification: Benign. Last evaluated: 2018-06-14. Review status: criteria provided, single submitter. Criteria: GeneDx Variant Classification (06012015). Collection method: clinical testing. Allele origin: germline. Affected: yes.
Comment: This variant is considered likely benign or benign based on one or more of the following criteria: it is a conservative change, it occurs at a poorly conserved position in the protein, it is predicted to be benign by multiple in silico algorithms, and/or has population frequency not consistent with disease.

Breakthrough Genomics
Classification: Benign. Review status: criteria provided, single submitter. Criteria: ACMG Guidelines, 2015. Collection method: not provided. Allele origin: germline. Inheritance: Autosomal recessive inheritance. Affected: yes.

NM_001083614.2(EARS2):c.1488+199A>G

Gene: EARS2 (glutamyl-tRNA synthetase 2, mitochondrial; minus strand). Cytogenetic location: 16p12.2.
Variant type: single nucleotide variant.
Coding change: c.1488+199A>G on transcript NM_001083614.2 (MANE Select); 199 bases into the intron after coding-DNA position 1488, A replaced by G.
Molecular consequence: intron variant. On other transcripts: 3 prime UTR variant (1).
Genome position (GRCh38, 1-based): chr16:23,525,045, T>C on the plus strand (A>G on the coding strand, the complement: EARS2 is on the minus strand). VCF-style: chr16-23525045-T-C. GRCh37 (hg19) VCF-style: chr16-23536366-T-C.
Other names: c.*82A>G (NM_001308211.1).
Identifiers: ClinVar variation 680558 (VCV000680558.2), dbSNP rs6497670, ClinGen allele CA15888478.